The following is an entry in ClinVar:

NM_025243.4(SLC19A3):c.*975G>T

Gene: SLC19A3 (solute carrier family 19 member 3; minus strand). Cytogenetic location: 2q36.3.
Variant type: single nucleotide variant.
Coding change: c.*975G>T on transcript NM_025243.4 (MANE Select); 975 bases downstream of the stop codon, G replaced by T.
Molecular consequence: 3 prime UTR variant.
Genome position (GRCh38, 1-based): chr2:227,686,422, C>A on the plus strand (G>T on the coding strand, the complement: SLC19A3 is on the minus strand). VCF-style: chr2-227686422-C-A. GRCh37 (hg19) VCF-style: chr2-228551138-C-A.
Other names: c.*975G>T (NM_001371411.1, NM_001371412.1, NM_001371413.1 and 1 more transcripts).
Identifiers: ClinVar variation 899317 (VCV000899317.5), dbSNP rs371001817, ClinGen allele CA66654865.

ClinVar aggregate classification (germline): Likely benign. Review status: criteria provided, multiple submitters, no conflicts (2 of 4 stars). 2 submissions from 2 submitters: Likely benign (2). Last evaluated 2018-01-12.

Conditions:
Biotin-responsive basal ganglia disease (BTBGD). Also called: Thiamine Transporter-2 Deficiency; THIAMINE METABOLISM DYSFUNCTION SYNDROME 2 (BIOTIN- AND THIAMINE-RESPONSIVE TYPE); Thiamine metabolism dysfunction syndrome type 2; thiamine-responsive encephalopathy; Thiamine metabolism dysfunction syndrome 2 (biotin- or thiamine-responsive encephalopathy type 2). Identifiers: Orphanet 199348, Orphanet 65284, MedGen C1843807, MONDO:0011841, OMIM 607483.

Allele frequency attached by ClinVar (database versions not stated): gnomAD 0.00011 and 0.00023; gnomAD exomes 0.00013; TOPMed 0.00019; 1000 Genomes Project 30x 0.00234; 1000 Genomes Project 0.00300.
gnomAD v4.1: 35 of 160,426 alleles (0.022%); highest among the groups gnomAD compares: East Asian, 0.55%; no homozygotes.

Submissions (2):

Illumina Laboratory Services, Illumina
Classification: Likely benign for Biotin-responsive basal ganglia disease. Last evaluated: 2018-01-12. Review status: criteria provided, single submitter. Criteria: ICSL Variant Classification Criteria 13 December 2019. Collection method: clinical testing. Allele origin: germline.
Comment: This variant was observed in the ICSL laboratory as part of a predisposition screen in an ostensibly healthy population. It had not been previously curated by ICSL or reported in the Human Gene Mutation Database (HGMD: prior to June 1st, 2018), and was therefore a candidate for classification through an automated scoring system. Utilizing variant allele frequency, disease prevalence and penetrance estimates, and inheritance mode, an automated score was calculated to assess if this variant is too frequent to cause the disease. Based on the score and internal cut-off values, a variant classified as likely benign is not then subjected to further curation. The score for this variant resulted in a classification of likely benign for this disease.

Breakthrough Genomics
Classification: Likely benign. Review status: criteria provided, single submitter. Criteria: ACMG Guidelines, 2015. Collection method: not provided. Allele origin: germline. Inheritance: Autosomal recessive inheritance. Affected: yes.